The following is an entry in ClinVar:

NM_002666.5(PLIN1):c.1210-1del

Gene: PLIN1 (perilipin 1; minus strand). Cytogenetic location: 15q26.1.
Variant type: Deletion.
Coding change: c.1210-1del on transcript NM_002666.5 (MANE Select); the canonical splice acceptor site of the intron before coding-DNA position 1210, one base deleted (G; older notation c.1210-1delG).
Molecular consequence: splice acceptor variant.
Genome position (GRCh38, 1-based): chr15:89,665,943, C deleted on the plus strand (G on the coding strand, the reverse complement: PLIN1 is on the minus strand). VCF-style (leftmost placement, unchanged base first): chr15-89665942-GC-G. GRCh37 (hg19) VCF-style: chr15-90209173-GC-G.
Other names: splice acceptor variant IVS8; c.1210-1del (NM_001145311.2).
Identifiers: ClinVar variation 995943 (VCV000995943.2), dbSNP rs1964333023, ClinGen allele CA1139664153.
Genomic context (GRCh38, chr15:89,665,942, plus strand): 5'-CTGGTGGGTTGTCGATGTCCCGGAATTCGCTCTCGGGCTCCATCAGCGACAGCCTGGGGA[GC>G]TGAGGGCCCGGCAGCCGCCTTAGAGTCCTGGCTTGGCCCTGGGCCCTGCGCCTCTGACCC-3'

ClinVar aggregate classification (germline): Pathogenic (1 of 4 stars; one submission).

Conditions:
PLIN1-related familial partial lipodystrophy. Also called: LIPODYSTROPHY, FAMILIAL PARTIAL, ASSOCIATED WITH PLIN1 MUTATIONS. Identifiers: Orphanet 280356, MedGen C5191005, MONDO:0013478, OMIM 613877.

Allele frequency attached by ClinVar (database versions not stated): gnomAD exomes below 0.00001.

Submission:

Laboratory of Inherited Metabolic Diseases, Research centre for medical genetics
Classification: Pathogenic for PLIN1-related familial partial lipodystrophy. Last evaluated: 2020-12-17. Review status: criteria provided, single submitter. Criteria: ACMG Guidelines, 2015. Collection method: clinical testing. Allele origin: unknown. Inheritance: Autosomal dominant inheritance.
Comment: Found in heterozygous state.